The following is an entry in ClinVar:

ClinVar aggregate classification (germline): Uncertain significance. Review status: criteria provided, multiple submitters, no conflicts (2 of 4 stars). 2 submissions from 2 submitters: Uncertain significance (2). Last evaluated 2025-06-18.

Conditions:
Chédiak-Higashi syndrome (CHS). Also called: Chediak-Higashi Syndrome. Identifiers: Orphanet 167, MedGen C0007965, MONDO:0008963, OMIM 214500.
Inborn genetic diseases. Identifiers: MedGen C0950123, MeSH D030342.

Submissions (2):

Ambry Genetics
Classification: Uncertain significance for Inborn genetic diseases. Last evaluated: 2025-06-18. Review status: criteria provided, single submitter. Criteria: Ambry Variant Classification Scheme 2023. Collection method: clinical testing. Allele origin: germline.

Labcorp Genetics (formerly Invitae), Labcorp
Classification: Uncertain significance for Chédiak-Higashi syndrome. Last evaluated: 2022-05-18. Review status: criteria provided, single submitter. Criteria: Invitae Variant Classification Sherloc (09022015). Collection method: clinical testing. Allele origin: germline.
Comment: In summary, the available evidence is currently insufficient to determine the role of this variant in disease. Therefore, it has been classified as a Variant of Uncertain Significance. Algorithms developed to predict the effect of missense changes on protein structure and function (SIFT, PolyPhen-2, Align-GVGD) all suggest that this variant is likely to be tolerated. This variant has not been reported in the literature in individuals affected with LYST-related conditions. This variant is not present in population databases (gnomAD no frequency). This sequence change replaces alanine, which is neutral and non-polar, with serine, which is neutral and polar, at codon 1819 of the LYST protein (p.Ala1819Ser).

NM_000081.4(LYST):c.5455G>T (p.Ala1819Ser)

Gene: LYST (lysosomal trafficking regulator; minus strand). Cytogenetic location: 1q42.3.
Variant type: single nucleotide variant.
Coding change: c.5455G>T on transcript NM_000081.4 (MANE Select); coding-DNA position 5455, G replaced by T.
Protein change: p.Ala1819Ser; replaces alanine 1819 with serine.
Molecular consequence: missense variant.
Genome position (GRCh38, 1-based): chr1:235,777,068, C>A on the plus strand (G>T on the coding strand, the complement: LYST is on the minus strand). VCF-style: chr1-235777068-C-A. GRCh37 (hg19) VCF-style: chr1-235940368-C-A.
Other names: c.5455G>T (NM_000081.2); c.5455G>T, p.Ala1819Ser (NM_001301365.1); short protein forms A1819S.
Identifiers: ClinVar variation 1996234 (VCV001996234.5), dbSNP rs2527992352, ClinGen allele CA344952411.